The following is an entry in ClinVar:

ClinVar aggregate classification (germline): Uncertain significance (1 of 4 stars; one submission).

Submission:

GeneDx
Classification: Uncertain significance. Last evaluated: 2023-03-09. Review status: criteria provided, single submitter. Criteria: GeneDx Variant Classification Process June 2021. Collection method: clinical testing. Allele origin: germline. Affected: yes.
Comment: Not observed at significant frequency in large population cohorts (gnomAD); Frameshift variant predicted to result in protein truncation, as the last 85 amino acids are replaced with 17 different amino acids; Has not been previously published as pathogenic or benign to our knowledge

NM_003107.3(SOX4):c.1167_1170del (p.Ser390fs)

Gene: SOX4 (SRY-box transcription factor 4; plus strand). Cytogenetic location: 6p22.3.
Variant type: Deletion.
Coding change: c.1167_1170del on transcript NM_003107.3 (MANE Select); coding-DNA positions 1167 to 1170, 4 bases deleted (CTCC; older notation c.1167_1170delCTCC).
Protein change: p.Ser390fs; shifts the reading frame from serine 390.
Molecular consequence: frameshift variant.
Genome position (GRCh38, 1-based): chr6:21,595,701-21,595,704, CTCC deleted; deleting any 4 consecutive bases within chr6:21,595,700-21,595,704 gives the same sequence; the c. name uses the placement nearest the transcript's 3' end. VCF-style (leftmost placement, unchanged base first): chr6-21595699-TCCTC-T. GRCh37 (hg19) VCF-style: chr6-21595930-TCCTC-T.
Other names: short protein forms S390fs.
Identifiers: ClinVar variation 2579320 (VCV002579320.1), dbSNP rs2532641611, ClinGen allele CA2580617997.
Genomic context (GRCh38, chr6:21,595,699, plus strand): 5'-CCCGCCCCGTCCAGCGCGCCCTCGCACGCGTCCTCCTCGGCCTCGTCCCACTCCTCCTCT[TCCTC>T]CTCCTCGGGCTCCTCGTCCTCCGACGACGAGTTCGAAGACGACCTGCTCGACCTGAACCC-3'